The following is an entry in ClinVar:

NM_004329.3(BMPR1A):c.1265T>A (p.Phe422Tyr)

Gene: BMPR1A (bone morphogenetic protein receptor type 1A; plus strand). Cytogenetic location: 10q23.2.
Variant type: single nucleotide variant.
Coding change: c.1265T>A on transcript NM_004329.3 (MANE Select); coding-DNA position 1265, T replaced by A.
Protein change: p.Phe422Tyr; replaces phenylalanine 422 with tyrosine.
Molecular consequence: missense variant. On other transcripts: non-coding transcript variant (3).
Genome position (GRCh38, 1-based): chr10:86,921,618, T>A. VCF-style: chr10-86921618-T-A. GRCh37 (hg19) VCF-style: chr10-88681375-T-A.
Other names: c.1340T>A, p.Phe447Tyr (NM_001406559.1); c.1313T>A, p.Phe438Tyr (NM_001406560.1); c.1265T>A, p.Phe422Tyr (NM_001406561.1, NM_001406562.1, NM_001406563.1 and 19 more transcripts); c.1181T>A, p.Phe394Tyr (NM_001406584.1, NM_001406585.1, NM_001406586.1 and 2 more transcripts); c.923T>A, p.Phe308Tyr (NM_001406589.1); c.1259T>A, p.Phe420Tyr (NM_001406583.1); short protein forms F308Y, F394Y, F420Y, F422Y, F438Y, F447Y.
Identifiers: ClinVar variation 4867546 (VCV004867546.1).

ClinVar aggregate classification (germline): Uncertain significance (1 of 4 stars; one submission).

Conditions:
Hereditary cancer-predisposing syndrome. Also called: Neoplastic Syndromes, Hereditary; Tumor predisposition; Hereditary Cancer Syndrome; Hereditary neoplastic syndrome. Identifiers: Orphanet 140162, MedGen C0027672, MeSH D009386, MONDO:0015356.

Submission:

Ambry Genetics
Classification: Uncertain significance for Hereditary cancer-predisposing syndrome. Last evaluated: 2026-03-18. Review status: criteria provided, single submitter. Criteria: Ambry Variant Classification Scheme 2023. Collection method: clinical testing. Allele origin: germline.
Comment: The p.F422Y variant (also known as c.1265T>A), located in coding exon 9 of the BMPR1A gene, results from a T to A substitution at nucleotide position 1265. The phenylalanine at codon 422 is replaced by tyrosine, an amino acid with highly similar properties. This amino acid position is conserved. In addition, the in silico prediction for this alteration is inconclusive. Based on the available evidence, the clinical significance of this variant remains unclear.